The following is an entry in ClinVar:

ClinVar aggregate classification (germline): Pathogenic (1 of 4 stars; one submission).

Conditions:
ABCA4-related disorder. Also called: ABCA4-related condition; ABCA4-related disorders. Identifiers: MedGen CN239167.

Submission:

3billion
Classification: Pathogenic for ABCA4-related disorder. Last evaluated: 2024-10-10. Review status: criteria provided, single submitter. Criteria: ACMG Guidelines, 2015. Collection method: clinical testing. Allele origin: germline. Affected: yes.
Comment: The variant is not observed in the gnomAD v4.1.0 dataset. Predicted Consequence/Location: Frameshift: predicted to result in a loss or disruption of normal protein function through nonsense-mediated decay (NMD) or protein truncation. Multiple pathogenic variants are reported downstream of the variant. The variant has been reported to be associated with ABCA4 related disorder (PMID: 35260635). Therefore, this variant is classified as Pathogenic according to the recommendation of ACMG/AMP guideline.

Literature cited by the submitters: PubMed 35260635.

NM_000350.3(ABCA4):c.4217del (p.His1406fs)

Gene: ABCA4 (ATP binding cassette subfamily A member 4; minus strand). Cytogenetic location: 1p22.1.
Variant type: Deletion.
Coding change: c.4217del on transcript NM_000350.3 (MANE Select); coding-DNA position 4217, one base deleted (A; older notation c.4217delA).
Protein change: p.His1406fs; shifts the reading frame from histidine 1406.
Molecular consequence: frameshift variant.
Genome position (GRCh38, 1-based): chr1:94,031,032, T deleted on the plus strand (A on the coding strand, the reverse complement: ABCA4 is on the minus strand). VCF-style (leftmost placement, unchanged base first): chr1-94031031-GT-G. GRCh37 (hg19) VCF-style: chr1-94496587-GT-G.
Other names: c.3995del, p.His1332fs (NM_001425324.1); short protein forms H1332fs, H1406fs.
Identifiers: ClinVar variation 4292383 (VCV004292383.1).